The following is an entry in ClinVar:

ClinVar aggregate classification (germline): Likely pathogenic (1 of 4 stars; one submission).

Conditions:
Perlman syndrome (PRLMNS). Identifiers: Orphanet 2849, MedGen C0796113, MONDO:0009965, OMIM 267000.

Submission:

Labcorp Genetics (formerly Invitae), Labcorp
Classification: Likely pathogenic for Perlman syndrome. Last evaluated: 2020-01-17. Review status: criteria provided, single submitter. Criteria: Invitae Variant Classification Sherloc (09022015). Collection method: clinical testing. Allele origin: germline.
Comment: In summary, the currently available evidence indicates that the variant is pathogenic, but additional data are needed to prove that conclusively. Therefore, this variant has been classified as Likely Pathogenic. Donor and acceptor splice site variants typically lead to a loss of protein function (PMID: 16199547), and loss-of-function variants in DIS3L2 are known to be pathogenic (PMID: 22306653). This variant has not been reported in the literature in individuals with DIS3L2-related conditions. This variant is not present in population databases (ExAC no frequency). This sequence change affects a donor splice site in intron 19 of the DIS3L2 gene. It is expected to disrupt RNA splicing and likely results in an absent or disrupted protein product.

Literature cited by the submitters: PubMed 16199547; PubMed 22306653.

NM_152383.5(DIS3L2):c.2394+1G>T

Gene: DIS3L2 (DIS3 like 3'-5' exoribonuclease 2; plus strand). Cytogenetic location: 2q37.1.
Variant type: single nucleotide variant.
Coding change: c.2394+1G>T on transcript NM_152383.5 (MANE Select); the canonical splice donor site of the intron after coding-DNA position 2394, G replaced by T.
Molecular consequence: splice donor variant. On other transcripts: intron variant (1).
Genome position (GRCh38, 1-based): chr2:232,334,736, G>T. VCF-style: chr2-232334736-G-T. GRCh37 (hg19) VCF-style: chr2-233199446-G-T.
Other names: c.1582-8609G>T (NM_001257281.2).
Identifiers: ClinVar variation 966938 (VCV000966938.8), dbSNP rs1214723183, ClinGen allele CA350978125.